The following is an entry in ClinVar:

ClinVar aggregate classification (germline): Uncertain significance (1 of 4 stars; one submission).

Submission:

Ambry Genetics
Classification: Uncertain significance. Last evaluated: 2021-07-09. Review status: criteria provided, single submitter. Criteria: Ambry Variant Classification Scheme 2023. Collection method: clinical testing. Allele origin: germline.
Comment: The p.R1607K variant (also known as c.4820G>A), located in coding exon 4 of the ALPK2 gene, results from a G to A substitution at nucleotide position 4820. The arginine at codon 1607 is replaced by lysine, an amino acid with highly similar properties. This amino acid position is conserved. In addition, this alteration is predicted to be tolerated by in silico analysis. Since supporting evidence is limited at this time, the clinical significance of this alteration remains unclear.

NM_052947.4(ALPK2):c.4820G>A (p.Arg1607Lys)

Genes: ALPK2 (alpha kinase 2; minus strand), LOC126862764 (BRD4-independent group 4 enhancer GRCh37_chr18:56202574-56203773; plus strand). Cytogenetic location: 18q21.31.
Variant type: single nucleotide variant.
Coding change: c.4820G>A on transcript NM_052947.4 (MANE Select); coding-DNA position 4820, G replaced by A.
Protein change: p.Arg1607Lys; replaces arginine 1607 with lysine.
Molecular consequence: missense variant.
Genome position (GRCh38, 1-based): chr18:58,535,367, C>T on the plus strand (G>A on the coding strand, the complement: ALPK2 is on the minus strand). VCF-style: chr18-58535367-C-T. GRCh37 (hg19) VCF-style: chr18-56202599-C-T.
Other names: short protein forms R1607K.
Identifiers: ClinVar variation 1743361 (VCV001743361.2), dbSNP rs2518874002, ClinGen allele CA402559668.